The following is an entry in ClinVar:

NM_006206.6(PDGFRA):c.3228C>G (p.Ile1076Met)

Gene: PDGFRA (platelet derived growth factor receptor alpha; plus strand). Cytogenetic location: 4q12.
Variant type: single nucleotide variant.
Coding change: c.3228C>G on transcript NM_006206.6 (MANE Select); coding-DNA position 3228, C replaced by G.
Protein change: p.Ile1076Met; replaces isoleucine 1076 with methionine.
Molecular consequence: missense variant.
Genome position (GRCh38, 1-based): chr4:54,295,230, C>G. VCF-style: chr4-54295230-C-G. GRCh37 (hg19) VCF-style: chr4-55161397-C-G.
Other names: c.3303C>G, p.Ile1101Met (NM_001347828.2); c.3228C>G, p.Ile1076Met (NM_001347829.2); c.3267C>G, p.Ile1089Met (NM_001347830.2); short protein forms I1076M, I1101M, I1089M.
Identifiers: ClinVar variation 348909 (VCV000348909.23), dbSNP rs148629782, ClinGen allele CA2923068.

ClinVar aggregate classification (germline): Benign/Likely benign. Review status: criteria provided, multiple submitters, no conflicts (2 of 4 stars). 6 submissions from 5 submitters: Benign (1); Likely benign (5). Last evaluated 2026-04-01.

Conditions:
Idiopathic hypereosinophilic syndrome (HES). Identifiers: Orphanet 3260, MedGen C0206141, MONDO:0011895, OMIM 607685. Disease mechanism: gain of function.
Gastrointestinal stromal tumor. Also called: Gastrointestinal stromal tumor, somatic; Gastrointestinal stroma tumor. Identifiers: Orphanet 44890, MedGen C0238198, MeSH D046152, MONDO:0011719, OMIM 606764, HP:0100723.
Hereditary cancer-predisposing syndrome. Also called: Hereditary Cancer Syndrome; Tumor predisposition; Neoplastic Syndromes, Hereditary; Hereditary neoplastic syndrome. Identifiers: Orphanet 140162, MedGen C0027672, MeSH D009386, MONDO:0015356.

Allele frequency attached by ClinVar (database versions not stated): 1000 Genomes Project 0.00100; 1000 Genomes Project 30x 0.00078.
gnomAD v4.1: 198 of 1,613,870 alleles (0.012%); highest among the groups gnomAD compares: South Asian, 0.2%; 2 homozygotes.

Submissions (6):

CeGaT Center for Human Genetics Tuebingen
Classification: Likely benign. Last evaluated: 2026-04-01. Review status: criteria provided, single submitter. Criteria: CeGaT Center For Human Genetics Tuebingen Variant Classification Criteria Version 2. Collection method: clinical testing. Allele origin: germline. Affected: yes. Observed: 1 variant allele.
Comment: PDGFRA: BS1

Labcorp Genetics (formerly Invitae), Labcorp
Classification: Likely benign for Gastrointestinal stromal tumor. Last evaluated: 2026-01-31. Review status: criteria provided, single submitter. Criteria: Invitae Variant Classification Sherloc (09022015). Collection method: clinical testing. Allele origin: germline.

Blueprint Genetics
Classification: Likely benign. Last evaluated: 2024-11-26. Review status: criteria provided, single submitter. Criteria: ACMG Guidelines, 2015. Collection method: clinical testing. Allele origin: germline.

Ambry Genetics
Classification: Likely benign for Hereditary cancer-predisposing syndrome. Last evaluated: 2019-07-22. Review status: criteria provided, single submitter. Criteria: Ambry Variant Classification Scheme 2023. Collection method: clinical testing. Allele origin: germline.

Illumina Laboratory Services, Illumina
Classification: Likely benign for Gastrointestinal stromal tumor. Last evaluated: 2018-01-12. Review status: criteria provided, single submitter. Criteria: ICSL Variant Classification Criteria 13 December 2019. Collection method: clinical testing. Allele origin: germline.
Comment: This variant was observed in the ICSL laboratory as part of a predisposition screen in an ostensibly healthy population. It had not been previously curated by ICSL or reported in the Human Gene Mutation Database (HGMD: prior to June 1st, 2018), and was therefore a candidate for classification through an automated scoring system. Utilizing variant allele frequency, disease prevalence and penetrance estimates, and inheritance mode, an automated score was calculated to assess if this variant is too frequent to cause the disease. Based on the score and internal cut-off values, a variant classified as likely benign is not then subjected to further curation. The score for this variant resulted in a classification of likely benign for this disease.

Illumina Laboratory Services, Illumina
Classification: Benign for Idiopathic hypereosinophilic syndrome. Last evaluated: 2018-01-12. Review status: criteria provided, single submitter. Criteria: ICSL Variant Classification Criteria 13 December 2019. Collection method: clinical testing. Allele origin: germline.
Comment: This variant was observed in the ICSL laboratory as part of a predisposition screen in an ostensibly healthy population. It had not been previously curated by ICSL or reported in the Human Gene Mutation Database (HGMD: prior to June 1st, 2018), and was therefore a candidate for classification through an automated scoring system. Utilizing variant allele frequency, disease prevalence and penetrance estimates, and inheritance mode, an automated score was calculated to assess if this variant is too frequent to cause the disease. Based on the score and internal cut-off values, a variant classified as benign is not then subjected to further curation. The score for this variant resulted in a classification of benign for this disease.